The following is an entry in ClinVar:

NM_001105206.3(LAMA4):c.2987G>A (p.Ser996Asn)

Gene: LAMA4 (laminin subunit alpha 4; minus strand). Cytogenetic location: 6q21.
Variant type: single nucleotide variant.
Coding change: c.2987G>A on transcript NM_001105206.3 (MANE Select); coding-DNA position 2987, G replaced by A.
Protein change: p.Ser996Asn; replaces serine 996 with asparagine.
Molecular consequence: missense variant.
Genome position (GRCh38, 1-based): chr6:112,139,875, C>T on the plus strand (G>A on the coding strand, the complement: LAMA4 is on the minus strand). VCF-style: chr6-112139875-C-T. GRCh37 (hg19) VCF-style: chr6-112461077-C-T.
Other names: c.2966G>A, p.Ser989Asn (NM_001105207.3, NM_002290.5); short protein forms S989N, S996N.
Identifiers: ClinVar variation 4737356 (VCV004737356.2).

ClinVar aggregate classification (germline): Uncertain significance. Review status: criteria provided, multiple submitters, no conflicts (2 of 4 stars). 2 submissions from 2 submitters: Uncertain significance (2). Last evaluated 2026-04-14.

Conditions:
Dilated cardiomyopathy 1JJ (CMD1JJ). Identifiers: Orphanet 154, MedGen C3808935, MONDO:0014095, OMIM 615235.
Cardiovascular phenotype. Identifiers: MedGen CN230736.

gnomAD v4.1: 5 of 1,613,928 alleles (0.00031%); highest among the groups gnomAD compares: Admixed American, 0.0033%; no homozygotes.

Submissions (2):

Ambry Genetics
Classification: Uncertain significance for Cardiovascular phenotype. Last evaluated: 2026-04-14. Review status: criteria provided, single submitter. Criteria: Ambry Variant Classification Scheme 2023. Collection method: clinical testing. Allele origin: germline.
Comment: The p.S989N variant (also known as c.2966G>A), located in coding exon 22 of the LAMA4 gene, results from a G to A substitution at nucleotide position 2966. The serine at codon 989 is replaced by asparagine, an amino acid with highly similar properties. This amino acid position is conserved. In addition, this alteration is predicted to be tolerated by in silico analysis. Based on the available evidence, the clinical significance of this variant remains unclear.

Labcorp Genetics (formerly Invitae), Labcorp
Classification: Uncertain significance for Dilated cardiomyopathy 1JJ. Last evaluated: 2025-09-15. Review status: criteria provided, single submitter. Criteria: Invitae Variant Classification Sherloc (09022015). Collection method: clinical testing. Allele origin: germline.
Comment: This sequence change replaces serine, which is neutral and polar, with asparagine, which is neutral and polar, at codon 989 of the LAMA4 protein (p.Ser989Asn). This variant is present in population databases (no rsID available, gnomAD 0.003%). This variant has not been reported in the literature in individuals affected with LAMA4-related conditions. Invitae Evidence Modeling of protein sequence and biophysical properties (such as structural, functional, and spatial information, amino acid conservation, physicochemical variation, residue mobility, and thermodynamic stability) indicates that this missense variant is not expected to disrupt LAMA4 protein function with a negative predictive value of 80%. In summary, the available evidence is currently insufficient to determine the role of this variant in disease. Therefore, it has been classified as a Variant of Uncertain Significance.